The following is an entry in ClinVar:

NM_022081.6(HPS4):c.384G>A (p.Glu128=)

Gene: HPS4 (HPS4 biogenesis of lysosomal organelles complex 3 subunit 2; minus strand). Cytogenetic location: 22q12.1.
Variant type: single nucleotide variant.
Coding change: c.384G>A on transcript NM_022081.6 (MANE Select); coding-DNA position 384, G replaced by A.
Protein change: p.Glu128=; no amino-acid change (glutamic acid 128 retained).
Molecular consequence: synonymous variant. On other transcripts: non-coding transcript variant (8).
Genome position (GRCh38, 1-based): chr22:26,472,832, C>T on the plus strand (G>A on the coding strand, the complement: HPS4 is on the minus strand). VCF-style: chr22-26472832-C-T. GRCh37 (hg19) VCF-style: chr22-26868798-C-T.
Other names: c.384G>A, p.Glu128= (NM_001349896.1, NM_001349898.2, NM_001349899.2 and 7 more transcripts); c.369G>A, p.Glu123= (NM_152841.2).
Identifiers: ClinVar variation 4689610 (VCV004689610.1).
Genomic context (GRCh38, chr22:26,472,832, plus strand): 5'-TGGCAATACCGGTTTTTATAAAGAGGCCCAATGTAAGACTCCTCAACCCCATACTTGTAC[C>T]TCATAAGCTAGGGAAACAGGTCCATTGTAAAAATTAAAGAATCCAACTAGCTGATCCAGA-3'
Protein context (NP_071364.4, residues 118-138): FYNGPVSLAY[Glu128=]NCSQEELSTE

ClinVar aggregate classification (germline): Uncertain significance (1 of 4 stars; one submission).

Submission:

Women's Health and Genetics/Laboratory Corporation of America, LabCorp
Classification: Uncertain significance. Last evaluated: 2026-01-06. Review status: criteria provided, single submitter. Criteria: LabCorp Variant Classification Summary - May 2015. Collection method: clinical testing. Allele origin: germline.
Comment: Variant summary: HPS4 c.384G>A (p.Glu128Glu) alters a conserved nucleotide located close to a canonical splice site and therefore could affect mRNA splicing, leading to a significantly altered protein sequence. Several computational tools predict a significant impact on normal splicing: Two predict the variant abolishes a 5' splicing donor site. However, these predictions have yet to be confirmed by functional studies. The variant was absent in 251492 control chromosomes. The available data on variant occurrences in the general population are insufficient to allow any conclusion about variant significance. To our knowledge, no occurrence of c.384G>A in individuals affected with HPS4-related conditions and no experimental evidence demonstrating its impact on protein function have been reported. No submitters have cited clinical-significance assessments for this variant to ClinVar. Based on the evidence outlined above, the variant was classified as uncertain significance.